The following is an entry in ClinVar:

ClinVar aggregate classification (germline): Uncertain significance (1 of 4 stars; one submission).

Conditions:
Cardiomyopathy (CMYO). Also called: Cardiomyopathies. Identifiers: Orphanet 167848, MedGen C0878544, MONDO:0004994, HP:0001638. Inheritance: Various modes of inheritance.

Submission:

Color Diagnostics, LLC DBA Color Health
Classification: Uncertain significance for Cardiomyopathy. Last evaluated: 2024-01-16. Review status: criteria provided, single submitter. Criteria: ACMG Guidelines, 2015. Collection method: clinical testing. Allele origin: germline.
Comment: This variant causes an A to C nucleotide substitution at the +6 position of intron 2/13 of the PKP2 gene. To our knowledge, functional studies have not been reported for this variant. This variant has not been reported in individuals affected with PKP2-related disorders in the literature. This variant has not been identified in the general population by the Genome Aggregation Database (gnomAD). The available evidence is insufficient to determine the role of this variant in disease conclusively. Therefore, this variant is classified as a Variant of Uncertain Significance.

NM_001005242.3(PKP2):c.336+6A>C

Gene: PKP2 (plakophilin 2; minus strand). Cytogenetic location: 12p11.21.
Variant type: single nucleotide variant.
Coding change: c.336+6A>C on transcript NM_001005242.3 (MANE Select); 6 bases into the intron after coding-DNA position 336, A replaced by C.
Molecular consequence: intron variant.
Genome position (GRCh38, 1-based): chr12:32,878,914, T>G on the plus strand (A>C on the coding strand, the complement: PKP2 is on the minus strand). VCF-style: chr12-32878914-T-G. GRCh37 (hg19) VCF-style: chr12-33031848-T-G.
Other names: c.336+6A>C (NM_001407156.1, NM_001407155.1, NM_004572.4 and 2 more transcripts); c.9+6A>C (NM_001407160.1, NM_001407159.1, NM_001407158.1 and 1 more transcripts).
Identifiers: ClinVar variation 3894431 (VCV003894431.1).